The following is an entry in ClinVar:

ClinVar aggregate classification (germline): Uncertain significance (1 of 4 stars; one submission).

Conditions:
Inborn genetic diseases. Identifiers: MedGen C0950123, MeSH D030342.

Submission:

Ambry Genetics
Classification: Uncertain significance for Inborn genetic diseases. Last evaluated: 2025-04-28. Review status: criteria provided, single submitter. Criteria: Ambry Variant Classification Scheme 2023. Collection method: clinical testing. Allele origin: germline.
Comment: The p.P1049L variant (also known as c.3146C>T), located in coding exon 14 of the MECOM gene, results from a C to T substitution at nucleotide position 3146. The proline at codon 1049 is replaced by leucine, an amino acid with similar properties. This amino acid position is conserved. In addition, this alteration is predicted to be tolerated by in silico analysis. Based on the available evidence, the clinical significance of this variant remains unclear.

NM_004991.4(MECOM):c.3146C>T (p.Pro1049Leu)

Gene: MECOM (MDS1 and EVI1 complex locus; minus strand). Cytogenetic location: 3q26.2.
Variant type: single nucleotide variant.
Coding change: c.3146C>T on transcript NM_004991.4 (MANE Select); coding-DNA position 3146, C replaced by T.
Protein change: p.Pro1049Leu; replaces proline 1049 with leucine.
Molecular consequence: missense variant.
Genome position (GRCh38, 1-based): chr3:169,092,976, G>A on the plus strand (C>T on the coding strand, the complement: MECOM is on the minus strand). VCF-style: chr3-169092976-G-A. GRCh37 (hg19) VCF-style: chr3-168810764-G-A.
Other names: c.2777C>T, p.Pro926Leu (NM_001105077.4); c.2582C>T, p.Pro861Leu (NM_001105078.4, NM_001205194.2, NM_001366469.2 and 1 more transcripts); c.2558C>T, p.Pro853Leu (NM_001163999.2, NM_001366470.2); c.2555C>T, p.Pro852Leu (NM_001164000.2, NM_001366471.2, NM_001366472.2); c.3119C>T, p.Pro1040Leu (NM_001366466.2); c.2585C>T, p.Pro862Leu (NM_001366467.2, NM_001366468.2); c.2147C>T, p.Pro716Leu (NM_001366473.2); c.1583C>T, p.Pro528Leu (NM_001366474.2); short protein forms P716L, P853L, P862L, P926L, P1040L, P1049L, P861L, P528L.
Identifiers: ClinVar variation 4053222 (VCV004053222.1).